The following is an entry in ClinVar:

NC_012920.1(MT-TV):m.1640A>G

Gene: MT-TV (mitochondrially encoded tRNA valine; plus strand).
Variant type: single nucleotide variant.
Genome position: chrM-1640-A-G.
Identifiers: ClinVar variation 689844 (VCV000689844.1), dbSNP rs1603218594, ClinGen allele CA913163358.
Genomic context (GRCh38, chrMT:1,640, plus strand): 5'-TGGAAAGTGCACTTGGACGAACCAGAGTGTAGCTTAACACAAAGCACCCAACTTACACTT[A>G]GGAGATTTCAACTTAACTTGACCGCTCTGAGCTAAACCTAGCCCCAAACCCACTCCACCT-3'

ClinVar aggregate classification (germline): Likely benign (1 of 4 stars; one submission).

Conditions:
MELAS syndrome (MELAS). Also called: Juvenile myopathy, encephalopathy, lactic acidosis, stroke. Identifiers: Orphanet 550, MedGen C0162671, MONDO:0010789, OMIM 540000.

Submission:

Wong Mito Lab, Molecular and Human Genetics, Baylor College of Medicine
Classification: Likely benign for MELAS syndrome. Last evaluated: 2019-07-12. Review status: criteria provided, single submitter. Criteria: Modified ACMG Guidelines (Unpublished). Collection method: clinical testing. Allele origin: germline.
Comment: The NC_012920.1:m.1640A>G variant in MT-TV gene is interpreted to be a Likely Benign variant based on the modified ACMG guidelines (unpublished). This variant meets the following evidence codes reported in the guidelines: BS4, BP4, BP5

Literature cited by the submitters: PubMed 31965079.